The following is an entry in ClinVar:

NM_000393.5(COL5A2):c.2549C>G (p.Pro850Arg)

Gene: COL5A2 (collagen type V alpha 2 chain; minus strand). Cytogenetic location: 2q32.2.
Variant type: single nucleotide variant.
Coding change: c.2549C>G on transcript NM_000393.5 (MANE Select); coding-DNA position 2549, C replaced by G.
Protein change: p.Pro850Arg; replaces proline 850 with arginine.
Molecular consequence: missense variant.
Genome position (GRCh38, 1-based): chr2:189,053,428, G>C on the plus strand (C>G on the coding strand, the complement: COL5A2 is on the minus strand). VCF-style: chr2-189053428-G-C. GRCh37 (hg19) VCF-style: chr2-189918154-G-C.
Other names: c.2549C>G (NM_000393.3); short protein forms P850R.
Identifiers: ClinVar variation 2993327 (VCV002993327.5), dbSNP rs863223493, ClinGen allele CA349871581.

ClinVar aggregate classification (germline): Uncertain significance. Review status: criteria provided, multiple submitters, no conflicts (2 of 4 stars). 3 submissions from 3 submitters: Uncertain significance (3). Last evaluated 2025-09-15.

Conditions:
Ehlers-Danlos syndrome, classic type, 1 (EDSCL1). Also called: EDS I; EHLERS-DANLOS SYNDROME, GRAVIS TYPE; EHLERS-DANLOS SYNDROME, SEVERE CLASSIC TYPE; Ehlers-Danlos syndrome, type 1; Ehlers-Danlos Syndrome, Classic Type, COL5A1-Related. Identifiers: MedGen C0268335, MONDO:0019567, OMIM 130000.
Familial thoracic aortic aneurysm and aortic dissection (TAAD). Also called: Thoracic aortic aneurysms and dissections. Identifiers: Orphanet 91387, MedGen C4707243, MONDO:0019625.

Submissions (3):

Ambry Genetics
Classification: Uncertain significance for Familial thoracic aortic aneurysm and aortic dissection. Last evaluated: 2025-09-15. Review status: criteria provided, single submitter. Criteria: Ambry Variant Classification Scheme 2023. Collection method: clinical testing. Allele origin: germline.
Comment: The p.P850R variant (also known as c.2549C>G), located in coding exon 38 of the COL5A2 gene, results from a C to G substitution at nucleotide position 2549. The proline at codon 850 is replaced by arginine, an amino acid with dissimilar properties. This amino acid position is highly conserved in available vertebrate species. In addition, this alteration is predicted to be deleterious by in silico analysis. Based on the available evidence, the clinical significance of this variant remains unclear.

GeneDx
Classification: Uncertain significance. Last evaluated: 2025-03-30. Review status: criteria provided, single submitter. Criteria: GeneDx Variant Classification Process June 2021. Collection method: clinical testing. Allele origin: germline. Affected: yes.
Comment: Not observed at significant frequency in large population cohorts (gnomAD); In silico analysis supports that this missense variant has a deleterious effect on protein structure/function; Has not been previously published as pathogenic or benign to our knowledge

Labcorp Genetics (formerly Invitae), Labcorp
Classification: Uncertain significance for Ehlers-Danlos syndrome, classic type, 1. Last evaluated: 2024-08-17. Review status: criteria provided, single submitter. Criteria: Invitae Variant Classification Sherloc (09022015). Collection method: clinical testing. Allele origin: germline.
Comment: This sequence change replaces proline, which is neutral and non-polar, with arginine, which is basic and polar, at codon 850 of the COL5A2 protein (p.Pro850Arg). This variant is not present in population databases (gnomAD no frequency). This variant has not been reported in the literature in individuals affected with COL5A2-related conditions. Invitae Evidence Modeling of protein sequence and biophysical properties (such as structural, functional, and spatial information, amino acid conservation, physicochemical variation, residue mobility, and thermodynamic stability) indicates that this missense variant is not expected to disrupt COL5A2 protein function with a negative predictive value of 80%. In summary, the available evidence is currently insufficient to determine the role of this variant in disease. Therefore, it has been classified as a Variant of Uncertain Significance.